The following is an entry in ClinVar:

ClinVar aggregate classification (germline): Uncertain significance (1 of 4 stars; one submission).

Conditions:
Febrile seizures, familial, 8 (FEB8). Also called: CONVULSIONS, FAMILIAL FEBRILE, 8. Identifiers: Orphanet 36387, MedGen C1969810, MONDO:0011891, OMIM 607681.
EPILEPSY, CHILDHOOD ABSENCE, SUSCEPTIBILITY TO, 2 (ECA2). Identifiers: Orphanet 64280, MedGen C1843244, OMIM 607681.

Submission:

Labcorp Genetics (formerly Invitae), Labcorp
Classification: Uncertain significance for Febrile seizures, familial, 8; EPILEPSY, CHILDHOOD ABSENCE, SUSCEPTIBILITY TO, 2. Last evaluated: 2024-02-22. Review status: criteria provided, single submitter. Criteria: Invitae Variant Classification Sherloc (09022015). Collection method: clinical testing. Allele origin: germline.
Comment: This sequence change replaces leucine, which is neutral and non-polar, with arginine, which is basic and polar, at codon 465 of the GABRG2 protein (p.Leu465Arg). This variant is not present in population databases (gnomAD no frequency). This variant has not been reported in the literature in individuals affected with GABRG2-related conditions. Advanced modeling of protein sequence and biophysical properties (such as structural, functional, and spatial information, amino acid conservation, physicochemical variation, residue mobility, and thermodynamic stability) performed at Invitae indicates that this missense variant is expected to disrupt GABRG2 protein function with a positive predictive value of 95%. In summary, the available evidence is currently insufficient to determine the role of this variant in disease. Therefore, it has been classified as a Variant of Uncertain Significance.

NM_198904.4(GABRG2):c.1418T>G (p.Leu473Arg)

Gene: GABRG2 (gamma-aminobutyric acid type A receptor subunit gamma2; plus strand). Cytogenetic location: 5q34.
Variant type: single nucleotide variant.
Coding change: c.1418T>G on transcript NM_198904.4 (MANE Select); coding-DNA position 1418, T replaced by G.
Protein change: p.Leu473Arg; replaces leucine 473 with arginine.
Molecular consequence: missense variant. On other transcripts: 3 prime UTR variant (1).
Genome position (GRCh38, 1-based): chr5:162,153,358, T>G. VCF-style: chr5-162153358-T-G. GRCh37 (hg19) VCF-style: chr5-161580364-T-G.
Other names: c.1394T>G, p.Leu465Arg (NM_000816.3); c.1409T>G, p.Leu470Arg (NM_001375339.1); c.*252T>G (NM_001375340.1); c.1415T>G, p.Leu472Arg (NM_001375341.1); c.1391T>G, p.Leu464Arg (NM_001375342.1); c.1514T>G, p.Leu505Arg (NM_001375343.1); c.1457T>G, p.Leu486Arg (NM_001375344.1); c.1328T>G, p.Leu443Arg (NM_001375345.1); and 6 more; short protein forms L325R, L333R, L370R, L443R, L444R, L451R, L464R, L465R.
Identifiers: ClinVar variation 3753888 (VCV003753888.2).
Genomic context (GRCh38, chr5:162,153,358, plus strand): 5'-CTCGGATCTTCTTCCCCACTGCCTTCTGCCTGTTTAATCTGGTCTATTGGGTCTCCTACC[T>G]CTACCTGTGAGGAGGTATGGGTTTTACTGATATGGTTCTTATTCACTGAGTCTCATGGAG-3'
Protein context (NP_944494.1, residues 463-475): LFNLVYWVSY[Leu473Arg]YL